The following is an entry in ClinVar:

NM_001283009.2(RTEL1):c.2835G>C (p.Lys945Asn)

Genes: RTEL1 (regulator of telomere elongation helicase 1; plus strand), RTEL1-TNFRSF6B (RTEL1-TNFRSF6B readthrough (NMD candidate); plus strand). Cytogenetic location: 20q13.33.
Variant type: single nucleotide variant.
Coding change: c.2835G>C on transcript NM_001283009.2 (MANE Select); coding-DNA position 2835, G replaced by C.
Protein change: p.Lys945Asn; replaces lysine 945 with asparagine.
Molecular consequence: missense variant. On other transcripts: non-coding transcript variant (1).
Genome position (GRCh38, 1-based): chr20:63,692,987, G>C. VCF-style: chr20-63692987-G-C. GRCh37 (hg19) VCF-style: chr20-62324340-G-C.
Other names: c.2166G>C, p.Lys722Asn (NM_001283010.1); c.2835G>C, p.Lys945Asn (NM_016434.4); c.2907G>C, p.Lys969Asn (NM_032957.5); short protein forms K722N, K945N, K969N.
Identifiers: ClinVar variation 4891480 (VCV004891480.1).

ClinVar aggregate classification (germline): Uncertain significance (1 of 4 stars; one submission).

gnomAD v4.1: 1 of 1,612,560 alleles (0.000062%); highest among the groups gnomAD compares: Non-Finnish European, 0.000085%; no homozygotes.

Submission:

GeneDx
Classification: Uncertain significance. Last evaluated: 2026-03-11. Review status: criteria provided, single submitter. Criteria: GeneDx Variant Classification Process June 2021. Collection method: clinical testing. Allele origin: germline.
Comment: Not observed at significant frequency in large population cohorts (gnomAD); In silico analysis supports that this missense variant has a deleterious effect on protein structure/function; Has not been previously published as pathogenic or benign to our knowledge